The following is an entry in ClinVar:

ClinVar aggregate classification (germline): Uncertain significance (1 of 4 stars; one submission).

Conditions:
Mucopolysaccharidosis, MPS-III-C (MPS3C). Also called: SANFILIPPO SYNDROME C; MPS III C; mucopolysaccharidosis type 3C; MUCOPOLYSACCHARIDOSIS, TYPE IIIC; MPS IIIC (Sanfilippo Syndrome Type C); Mucopolysaccharidosis type IIIC (Sanfilippo C). Identifiers: Orphanet 581, Orphanet 79271, MedGen C0086649, MONDO:0009657, OMIM 252930.
Retinitis pigmentosa 73 (RP73). Identifiers: Orphanet 791, MedGen C4225287, MONDO:0014687, OMIM 616544.

Submission:

Labcorp Genetics (formerly Invitae), Labcorp
Classification: Uncertain significance for Retinitis pigmentosa 73; Mucopolysaccharidosis, MPS-III-C. Last evaluated: 2022-02-28. Review status: criteria provided, single submitter. Criteria: Invitae Variant Classification Sherloc (09022015). Collection method: clinical testing. Allele origin: germline.
Comment: In summary, the available evidence is currently insufficient to determine the role of this variant in disease. Therefore, it has been classified as a Variant of Uncertain Significance. Advanced modeling of protein sequence and biophysical properties (such as structural, functional, and spatial information, amino acid conservation, physicochemical variation, residue mobility, and thermodynamic stability) performed at Invitae indicates that this missense variant is not expected to disrupt HGSNAT protein function. This variant has not been reported in the literature in individuals affected with HGSNAT-related conditions. This variant is not present in population databases (gnomAD no frequency). This sequence change replaces leucine, which is neutral and non-polar, with valine, which is neutral and non-polar, at codon 117 of the HGSNAT protein (p.Leu117Val).

NM_152419.3(HGSNAT):c.349T>G (p.Leu117Val)

Gene: HGSNAT (heparan-alpha-glucosaminide N-acetyltransferase; plus strand). Cytogenetic location: 8p11.21.
Variant type: single nucleotide variant.
Coding change: c.349T>G on transcript NM_152419.3 (MANE Select); coding-DNA position 349, T replaced by G.
Protein change: p.Leu117Val; replaces leucine 117 with valine.
Molecular consequence: missense variant. On other transcripts: 5 prime UTR variant (1).
Genome position (GRCh38, 1-based): chr8:43,158,689, T>G. VCF-style: chr8-43158689-T-G. GRCh37 (hg19) VCF-style: chr8-43013832-T-G.
Other names: c.349T>G, p.Leu117Val (NM_001363227.2, NM_001363228.2); c.-485T>G (NM_001363229.2); short protein forms L117V.
Identifiers: ClinVar variation 2104356 (VCV002104356.4), dbSNP rs767496944, ClinGen allele CA371125255.